The following is an entry in ClinVar:

NM_000548.5(TSC2):c.3030G>A (p.Gln1010=)

Gene: TSC2 (TSC complex subunit 2; plus strand). Cytogenetic location: 16p13.3.
Variant type: single nucleotide variant.
Coding change: c.3030G>A on transcript NM_000548.5 (MANE Select); coding-DNA position 3030, G replaced by A.
Protein change: p.Gln1010=; no amino-acid change (glutamine 1010 retained).
Molecular consequence: synonymous variant.
Genome position (GRCh38, 1-based): chr16:2,079,095, G>A. VCF-style: chr16-2079095-G-A. GRCh37 (hg19) VCF-style: chr16-2129096-G-A.
Other names: c.2898G>A, p.Gln966= (NM_001077183.3, NM_001370404.1); c.3030G>A, p.Gln1010= (NM_001114382.3); c.2790G>A, p.Gln930= (NM_001318827.2); c.2754G>A, p.Gln918= (NM_001318829.2); c.2298G>A, p.Gln766= (NM_001318831.2); c.2931G>A, p.Gln977= (NM_001318832.2); c.2901G>A, p.Gln967= (NM_001363528.2, NM_001370405.1, NM_021055.3).
Identifiers: ClinVar variation 747051 (VCV000747051.19), dbSNP rs776658284, ClinGen allele CA044038.
Genomic context (GRCh38, chr16:2,079,095, plus strand): 5'-GATACAGACGTCCCTCACCAGTGCCAGCTTGGGGTCTGCAGATGAGAACTCCGTGGCCCA[G>A]GCTGACGATAGCCTGAAAAACCTCCACCTGGAGCTCACGGAAACCTGTCTGGACATGATG-3'
Protein context (NP_000539.2, residues 1000-1020): LGSADENSVA[Gln1010=]ADDSLKNLHL

ClinVar aggregate classification (germline): Benign/Likely benign. Review status: criteria provided, multiple submitters, no conflicts (2 of 4 stars). 6 submissions from 6 submitters: Benign (3); Likely benign (3). Last evaluated 2025-12-24.

Conditions:
Tuberous sclerosis syndrome (TSC). Also called: Tuberous sclerosis; Tuberous Sclerosis Complex. Identifiers: Orphanet 805, MedGen C0041341, MONDO:0001734.
Tuberous sclerosis 2 (TSC2). Identifiers: Orphanet 805, MedGen C1860707, MONDO:0013199, OMIM 613254.
Hereditary cancer-predisposing syndrome. Also called: Tumor predisposition; Hereditary Cancer Syndrome; Neoplastic Syndromes, Hereditary; Hereditary neoplastic syndrome. Identifiers: Orphanet 140162, MedGen C0027672, MeSH D009386, MONDO:0015356.

Allele frequency attached by ClinVar (database versions not stated): gnomAD below 0.00001 and 0.00001; gnomAD exomes 0.00001 and 0.00004; ExAC 0.00002.
gnomAD v4.1: 18 of 1,612,912 alleles (0.0011%); highest among the groups gnomAD compares: South Asian, 0.014%; no homozygotes.

Submissions (6):

Labcorp Genetics (formerly Invitae), Labcorp
Classification: Likely benign for Tuberous sclerosis 2. Last evaluated: 2025-12-24. Review status: criteria provided, single submitter. Criteria: Invitae Variant Classification Sherloc (09022015). Collection method: clinical testing. Allele origin: germline.

Myriad Genetics, Inc.
Classification: Benign for Tuberous sclerosis 2. Last evaluated: 2025-05-27. Review status: criteria provided, single submitter. Criteria: Myriad Autosomal Dominant, Autosomal Recessive and X-Linked Classification Criteria (2023). Collection method: clinical testing. Allele origin: unknown.
Comment: This variant is considered benign. This variant is a silent/synonymous amino acid change and it is not expected to impact splicing.

All of Us Research Program, National Institutes of Health
Classification: Benign for Tuberous sclerosis syndrome. Last evaluated: 2024-07-10. Review status: criteria provided, single submitter. Criteria: ACMG Guidelines, 2015. Collection method: clinical testing. Allele origin: germline. Inheritance: Autosomal dominant inheritance. Observed: 1 variant allele, 1 heterozygote.
Comment: This study involves interpretation of variants in research participants for the purpose of population health screening. Participant phenotype was not available at the time of variant classification. Additional details can be found in publication PMID: 35346344, PMCID: PMC8962531

Genome-Nilou Lab
Classification: Benign for Tuberous sclerosis 2. Last evaluated: 2021-11-07. Review status: criteria provided, single submitter. Criteria: ACMG Guidelines, 2015. Collection method: clinical testing. Allele origin: germline. Affected: no.

GeneDx
Classification: Likely benign. Last evaluated: 2020-11-23. Review status: criteria provided, single submitter. Criteria: GeneDx Variant Classification Process June 2021. Collection method: clinical testing. Allele origin: germline. Affected: yes.

Ambry Genetics
Classification: Likely benign for Hereditary cancer-predisposing syndrome. Last evaluated: 2019-07-09. Review status: criteria provided, single submitter. Criteria: Ambry Variant Classification Scheme 2023. Collection method: clinical testing. Allele origin: germline.